The following is an entry in ClinVar:

NM_001114748.2(TMEM240):c.412C>T (p.Arg138Trp)

Gene: TMEM240 (transmembrane protein 240; minus strand). Cytogenetic location: 1p36.33.
Variant type: single nucleotide variant.
Coding change: c.412C>T on transcript NM_001114748.2 (MANE Select); coding-DNA position 412, C replaced by T.
Protein change: p.Arg138Trp; replaces arginine 138 with tryptophan.
Molecular consequence: missense variant.
Genome position (GRCh38, 1-based): chr1:1,535,469, G>A on the plus strand (C>T on the coding strand, the complement: TMEM240 is on the minus strand). VCF-style: chr1-1535469-G-A. GRCh37 (hg19) VCF-style: chr1-1470849-G-A.
Other names: short protein forms R138W.
Identifiers: ClinVar variation 3808213 (VCV003808213.2).

ClinVar aggregate classification (germline): Uncertain significance. Review status: criteria provided, multiple submitters, no conflicts (2 of 4 stars). 2 submissions from 2 submitters: Uncertain significance (2). Last evaluated 2025-03-01.

Conditions:
Inborn genetic diseases. Identifiers: MedGen C0950123, MeSH D030342.

gnomAD v4.1: 11 of 1,548,792 alleles (0.00071%); highest among the groups gnomAD compares: Non-Finnish European, 0.00096%; no homozygotes.

Submissions (2):

Ambry Genetics
Classification: Uncertain significance for Inborn genetic diseases. Last evaluated: 2025-03-01. Review status: criteria provided, single submitter. Criteria: Ambry Variant Classification Scheme 2023. Collection method: clinical testing. Allele origin: germline.

GeneDx
Classification: Uncertain significance. Last evaluated: 2024-11-06. Review status: criteria provided, single submitter. Criteria: GeneDx Variant Classification Process June 2021. Collection method: clinical testing. Allele origin: germline. Affected: yes.
Comment: Not observed at significant frequency in large population cohorts (gnomAD); In silico analysis supports that this missense variant has a deleterious effect on protein structure/function; Has not been previously published as pathogenic or benign to our knowledge